The following is an entry in ClinVar:

ClinVar aggregate classification (germline): Uncertain significance (1 of 4 stars; one submission).

Allele frequency attached by ClinVar (database versions not stated): gnomAD exomes below 0.00001.
gnomAD v4.1: 2 of 1,614,190 alleles (0.00012%); highest among the groups gnomAD compares: Non-Finnish European, 0.00017%; no homozygotes.

Submission:

Women's Health and Genetics/Laboratory Corporation of America, LabCorp
Classification: Uncertain significance. Last evaluated: 2023-08-11. Review status: criteria provided, single submitter. Criteria: LabCorp Variant Classification Summary - May 2015. Collection method: clinical testing. Allele origin: germline.
Comment: Variant summary: TRIO c.2167G>T (p.Val723Leu) results in a conservative amino acid change in the encoded protein sequence. Three of five in-silico tools predict a benign effect of the variant on protein function. The variant was absent in 251432 control chromosomes. The available data on variant occurrences in the general population are insufficient to allow any conclusion about variant significance. To our knowledge, no occurrence of c.2167G>T in individuals affected with TRIO-Related Intellectual Disability and no experimental evidence demonstrating its impact on protein function have been reported. No submitters have cited clinical-significance assessments for this variant to ClinVar after 2014. Based on the evidence outlined above, the variant was classified as uncertain significance.

NM_007118.4(TRIO):c.2167G>T (p.Val723Leu)

Gene: TRIO (trio Rho guanine nucleotide exchange factor; plus strand). Cytogenetic location: 5p15.2.
Variant type: single nucleotide variant.
Coding change: c.2167G>T on transcript NM_007118.4 (MANE Select); coding-DNA position 2167, G replaced by T.
Protein change: p.Val723Leu; replaces valine 723 with leucine.
Molecular consequence: missense variant. On other transcripts: non-coding transcript variant (1).
Genome position (GRCh38, 1-based): chr5:14,358,298, G>T. VCF-style: chr5-14358298-G-T. GRCh37 (hg19) VCF-style: chr5-14358407-G-T.
Other names: short protein forms V723L.
Identifiers: ClinVar variation 2581668 (VCV002581668.1), dbSNP rs2532608258, ClinGen allele CA359204966.